The following is an entry in ClinVar:

ClinVar aggregate classification (germline): Benign (1 of 4 stars; one submission).

Conditions:
Junctional epidermolysis bullosa. Identifiers: Orphanet 305, MedGen C0079301, MONDO:0017612.

Allele frequency attached by ClinVar (database versions not stated): gnomAD 0.00509 and 0.00542; 1000 Genomes Project 30x 0.00578; 1000 Genomes Project 0.00539; TOPMed 0.00552.

Submission:

Illumina Laboratory Services, Illumina
Classification: Benign for Junctional epidermolysis bullosa. Last evaluated: 2018-01-12. Review status: criteria provided, single submitter. Criteria: ICSL Variant Classification Criteria 13 December 2019. Collection method: clinical testing. Allele origin: germline.
Comment: This variant was observed in the ICSL laboratory as part of a predisposition screen in an ostensibly healthy population. It had not been previously curated by ICSL or reported in the Human Gene Mutation Database (HGMD: prior to June 1st, 2018), and was therefore a candidate for classification through an automated scoring system. Utilizing variant allele frequency, disease prevalence and penetrance estimates, and inheritance mode, an automated score was calculated to assess if this variant is too frequent to cause the disease. Based on the score and internal cut-off values, a variant classified as benign is not then subjected to further curation. The score for this variant resulted in a classification of benign for this disease.

NM_005562.3(LAMC2):c.*1235G>C

Gene: LAMC2 (laminin subunit gamma 2; plus strand). Cytogenetic location: 1q25.3.
Variant type: single nucleotide variant.
Coding change: c.*1235G>C on transcript NM_005562.3 (MANE Select); 1235 bases downstream of the stop codon, G replaced by C.
Molecular consequence: 3 prime UTR variant.
Genome position (GRCh38, 1-based): chr1:183,244,635, G>C. VCF-style: chr1-183244635-G-C. GRCh37 (hg19) VCF-style: chr1-183213770-G-C.
Identifiers: ClinVar variation 294049 (VCV000294049.5), dbSNP rs74129665, ClinGen allele CA10608983.